The following is an entry in ClinVar:

ClinVar aggregate classification (germline): Uncertain significance. Review status: criteria provided, multiple submitters, no conflicts (2 of 4 stars). 2 submissions from 2 submitters: Uncertain significance (2). Last evaluated 2025-03-06.

Conditions:
Inborn genetic diseases. Identifiers: MedGen C0950123, MeSH D030342.

gnomAD v4.1: 4 of 1,608,782 alleles (0.00025%); highest among the groups gnomAD compares: Admixed American, 0.0017%; no homozygotes.

Submissions (2):

Mayo Clinic Laboratories, Mayo Clinic
Classification: Uncertain significance. Last evaluated: 2025-03-06. Review status: criteria provided, single submitter. Criteria: ACMG Guidelines, 2015. Collection method: clinical testing. Allele origin: germline. Observed: 1 variant allele.
Comment: PM2_supporting

Ambry Genetics
Classification: Uncertain significance for Inborn genetic diseases. Last evaluated: 2024-07-09. Review status: criteria provided, single submitter. Criteria: Ambry Variant Classification Scheme 2023. Collection method: clinical testing. Allele origin: germline.

NM_002661.5(PLCG2):c.1924G>A (p.Glu642Lys)

Gene: PLCG2 (phospholipase C gamma 2; plus strand). Cytogenetic location: 16q23.3.
Variant type: single nucleotide variant.
Coding change: c.1924G>A on transcript NM_002661.5 (MANE Select); coding-DNA position 1924, G replaced by A.
Protein change: p.Glu642Lys; replaces glutamic acid 642 with lysine.
Molecular consequence: missense variant.
Genome position (GRCh38, 1-based): chr16:81,910,710, G>A. VCF-style: chr16-81910710-G-A. GRCh37 (hg19) VCF-style: chr16-81944315-G-A.
Other names: p.Glu642Lys; c.1924G>A, p.Glu642Lys (NM_001425749.1, NM_001425750.1, NM_001425751.1); short protein forms E642K.
Identifiers: ClinVar variation 3420071 (VCV003420071.2).
Genomic context (GRCh38, chr16:81,910,710, plus strand): 5'-CTGCGCTGCGCCGAGTTCGAGCTGCGGCTCACGGACCCTGTGCCCAACCCCAACCCCCAC[G>A]AGTCCAAGCCGTACGTGTCTGAGGGTGGAGCAGGAGGCAGGCGGTGGTCGGGTTAGCTCC-3'
Protein context (NP_002652.2, residues 632-652): TDPVPNPNPH[Glu642Lys]SKPWYYDSLS